The following is an entry in ClinVar:

ClinVar aggregate classification (germline): Pathogenic (1 of 4 stars; one submission).

Conditions:
Ehlers-Danlos syndrome, dermatosparaxis type. Also called: EDS VIIC; Dermatosparaxis; Ehlers-Danlos syndrome, type VII, autosomal recessive. Identifiers: Orphanet 1901, MedGen C2700425, MONDO:0009161, OMIM 225410.

Submission:

Myriad Genetics, Inc.
Classification: Pathogenic for Ehlers-Danlos syndrome, dermatosparaxis type. Last evaluated: 2024-05-14. Review status: criteria provided, single submitter. Criteria: Myriad Autosomal Dominant, Autosomal Recessive and X-Linked Classification Criteria (2023). Collection method: clinical testing. Allele origin: unknown.
Comment: NM_014244.4(ADAMTS2):c.84_85insAGAC(P29Rfs*38) is expected to be pathogenic in the context of Ehlers-Danlos syndrome, ADAMTS2-related. This variant is predicted to lead to an abnormal or absent protein product due to the creation of a premature termination codon in ADAMTS2, a gene where loss-of-function variants are known to be pathogenic. Please note: this variant was assessed in the context of healthy population screening.

NM_014244.5(ADAMTS2):c.84_85insAGAC (p.Pro29fs)

Gene: ADAMTS2 (ADAM metallopeptidase with thrombospondin type 1 motif 2; minus strand). Cytogenetic location: 5q35.3.
Variant type: Insertion.
Coding change: c.84_85insAGAC on transcript NM_014244.5 (MANE Select); coding-DNA positions 84 to 85, AGAC inserted.
Protein change: p.Pro29fs; shifts the reading frame from proline 29.
Molecular consequence: frameshift variant.
Genome position: GRCh38 VCF-style: chr5-179345244-G-GGTCT. GRCh37 (hg19) VCF-style: chr5-178772245-G-GGTCT.
Other names: c.84_85insAGAC, p.Pro29fs (NM_021599.4); short protein forms P29fs.
Identifiers: ClinVar variation 5010808 (VCV005010808.1).